The following is an entry in ClinVar:

ClinVar aggregate classification (germline): Uncertain significance (1 of 4 stars; one submission).

Conditions:
Purine-nucleoside phosphorylase deficiency. Also called: Immunodeficiency due to purine nucleoside phosphorylase deficiency; NUCLEOSIDE PHOSPHORYLASE DEFICIENCY. Identifiers: Orphanet 760, MedGen C0268125, MONDO:0013171, OMIM 613179.

Allele frequency attached by ClinVar (database versions not stated): gnomAD exomes 0.00001; ExAC 0.00002; TOPMed 0.00002; gnomAD 0.00006.

Submission:

Labcorp Genetics (formerly Invitae), Labcorp
Classification: Uncertain significance for Purine-nucleoside phosphorylase deficiency. Last evaluated: 2022-08-31. Review status: criteria provided, single submitter. Criteria: Invitae Variant Classification Sherloc (09022015). Collection method: clinical testing. Allele origin: germline.
Comment: In summary, the available evidence is currently insufficient to determine the role of this variant in disease. Therefore, it has been classified as a Variant of Uncertain Significance. Algorithms developed to predict the effect of missense changes on protein structure and function (SIFT, PolyPhen-2, Align-GVGD) all suggest that this variant is likely to be tolerated. This variant has not been reported in the literature in individuals affected with PNP-related conditions. This variant is present in population databases (rs776206136, gnomAD 0.02%), including at least one homozygous and/or hemizygous individual. This sequence change replaces asparagine, which is neutral and polar, with serine, which is neutral and polar, at codon 55 of the PNP protein (p.Asn55Ser).

NM_000270.4(PNP):c.164A>G (p.Asn55Ser)

Gene: PNP (purine nucleoside phosphorylase; plus strand). Cytogenetic location: 14q11.2.
Variant type: single nucleotide variant.
Coding change: c.164A>G on transcript NM_000270.4 (MANE Select); coding-DNA position 164, A replaced by G.
Protein change: p.Asn55Ser; replaces asparagine 55 with serine.
Molecular consequence: missense variant.
Genome position (GRCh38, 1-based): chr14:20,472,460, A>G. VCF-style: chr14-20472460-A-G. GRCh37 (hg19) VCF-style: chr14-20940619-A-G.
Other names: short protein forms N55S.
Identifiers: ClinVar variation 2160364 (VCV002160364.2), dbSNP rs776206136, ClinGen allele CA7082015.